The following is an entry in ClinVar:

ClinVar aggregate classification (germline): Uncertain significance (1 of 4 stars; one submission).

Conditions:
Baller-Gerold syndrome (BGS). Also called: CRANIOSYNOSTOSIS WITH RADIAL DEFECTS. Identifiers: Orphanet 1225, MedGen C0265308, MONDO:0009039, OMIM 218600.

Submission:

Labcorp Genetics (formerly Invitae), Labcorp
Classification: Uncertain significance for Baller-Gerold syndrome. Last evaluated: 2018-08-23. Review status: criteria provided, single submitter. Criteria: Invitae Variant Classification Sherloc (09022015). Collection method: clinical testing. Allele origin: germline.
Comment: This variant is not present in population databases (ExAC no frequency). This sequence change replaces aspartic acid with tyrosine at codon 681 of the RECQL4 protein (p.Asp681Tyr). The aspartic acid residue is highly conserved and there is a large physicochemical difference between aspartic acid and tyrosine. This variant has not been reported in the literature in individuals with RECQL4-related disease. Algorithms developed to predict the effect of missense changes on protein structure and function (SIFT, PolyPhen-2, Align-GVGD) all suggest that this variant is likely to be disruptive, but these predictions have not been confirmed by published functional studies and their clinical significance is uncertain. In summary, the available evidence is currently insufficient to determine the role of this variant in disease. Therefore, it has been classified as a Variant of Uncertain Significance.

NM_004260.4(RECQL4):c.2041G>T (p.Asp681Tyr)

Gene: RECQL4 (RecQ like helicase 4; minus strand). Cytogenetic location: 8q24.3.
Variant type: single nucleotide variant.
Coding change: c.2041G>T on transcript NM_004260.4 (MANE Select); coding-DNA position 2041, G replaced by T.
Protein change: p.Asp681Tyr; replaces aspartic acid 681 with tyrosine.
Molecular consequence: missense variant.
Genome position (GRCh38, 1-based): chr8:144,513,945, C>A on the plus strand (G>T on the coding strand, the complement: RECQL4 is on the minus strand). VCF-style: chr8-144513945-C-A. GRCh37 (hg19) VCF-style: chr8-145739329-C-A.
Other names: short protein forms D681Y.
Identifiers: ClinVar variation 640269 (VCV000640269.4), dbSNP rs1586807847, ClinGen allele CA372680255.